The following is an entry in ClinVar:

ClinVar aggregate classification (germline): Uncertain significance. Review status: criteria provided, multiple submitters, no conflicts (2 of 4 stars). 2 submissions from 2 submitters: Uncertain significance (2). Last evaluated 2026-04-28.

Conditions:
Hereditary cancer-predisposing syndrome. Also called: Hereditary Cancer Syndrome; Neoplastic Syndromes, Hereditary; Tumor predisposition; Hereditary neoplastic syndrome. Identifiers: Orphanet 140162, MedGen C0027672, MeSH D009386, MONDO:0015356.
DICER1-related tumor predisposition. Also called: DICER1-related pleuropulmonary blastoma cancer predisposition syndrome; DICER1 syndrome. Identifiers: Orphanet 284343, MedGen C3839822, MONDO:0100216.

Submissions (2):

Ambry Genetics
Classification: Uncertain significance for Hereditary cancer-predisposing syndrome. Last evaluated: 2026-04-28. Review status: criteria provided, single submitter. Criteria: Ambry Variant Classification Scheme 2023. Collection method: clinical testing. Allele origin: germline.
Comment: The p.S290L variant (also known as c.869C>T), located in coding exon 6 of the DICER1 gene, results from a C to T substitution at nucleotide position 869. The serine at codon 290 is replaced by leucine, an amino acid with dissimilar properties. This amino acid position is conserved. In addition, this alteration is predicted to be tolerated by in silico analysis. Based on the available evidence, the clinical significance of this variant remains unclear.

Labcorp Genetics (formerly Invitae), Labcorp
Classification: Uncertain significance for DICER1-related tumor predisposition. Last evaluated: 2025-07-07. Review status: criteria provided, single submitter. Criteria: Invitae Variant Classification Sherloc (09022015). Collection method: clinical testing. Allele origin: germline.
Comment: This sequence change replaces serine, which is neutral and polar, with leucine, which is neutral and non-polar, at codon 290 of the DICER1 protein (p.Ser290Leu). This variant is not present in population databases (gnomAD no frequency). This variant has not been reported in the literature in individuals affected with DICER1-related conditions. ClinVar contains an entry for this variant (Variation ID: 954421). Invitae Evidence Modeling of protein sequence and biophysical properties (such as structural, functional, and spatial information, amino acid conservation, physicochemical variation, residue mobility, and thermodynamic stability) indicates that this missense variant is not expected to disrupt DICER1 protein function with a negative predictive value of 95%. In summary, the available evidence is currently insufficient to determine the role of this variant in disease. Therefore, it has been classified as a Variant of Uncertain Significance.

NM_177438.3(DICER1):c.869C>T (p.Ser290Leu)

Gene: DICER1 (dicer 1, ribonuclease III; minus strand). Cytogenetic location: 14q32.13.
Variant type: single nucleotide variant.
Coding change: c.869C>T on transcript NM_177438.3 (MANE Select); coding-DNA position 869, C replaced by T.
Protein change: p.Ser290Leu; replaces serine 290 with leucine.
Molecular consequence: missense variant.
Genome position (GRCh38, 1-based): chr14:95,126,614, G>A on the plus strand (C>T on the coding strand, the complement: DICER1 is on the minus strand). VCF-style: chr14-95126614-G-A. GRCh37 (hg19) VCF-style: chr14-95592951-G-A.
Other names: c.869C>T, p.Ser290Leu (NM_001195573.1, NM_001271282.3, NM_001291628.2 and 1 more transcripts); short protein forms S290L.
Identifiers: ClinVar variation 954421 (VCV000954421.12), dbSNP rs1595447658, ClinGen allele CA390887492.